The following is an entry in ClinVar:

NM_032737.4(LMNB2):c.338A>G (p.Glu113Gly)

Gene: LMNB2 (lamin B2; minus strand). Cytogenetic location: 19p13.3.
Variant type: single nucleotide variant.
Coding change: c.338A>G on transcript NM_032737.4 (MANE Select); coding-DNA position 338, A replaced by G.
Protein change: p.Glu113Gly; replaces glutamic acid 113 with glycine.
Molecular consequence: missense variant.
Genome position (GRCh38, 1-based): chr19:2,444,467, T>C on the plus strand (A>G on the coding strand, the complement: LMNB2 is on the minus strand). VCF-style: chr19-2444467-T-C. GRCh37 (hg19) VCF-style: chr19-2444465-T-C.
Other names: short protein forms E113G.
Identifiers: ClinVar variation 3756916 (VCV003756916.2).

ClinVar aggregate classification (germline): Uncertain significance (1 of 4 stars; one submission).

Conditions:
Progressive myoclonic epilepsy type 9. Identifiers: Orphanet 457265, MedGen C4225289, MONDO:0014685, OMIM 616540.
Lipodystrophy, partial, acquired, susceptibility to (APLD). Also called: APLD, SUSCEPTIBILITY TO. Identifiers: MedGen C3887501, MONDO:0100476, OMIM 608709.

gnomAD v4.1: 2 of 1,613,604 alleles (0.00012%); highest among the groups gnomAD compares: Non-Finnish European, 0.00017%; no homozygotes.

Submission:

Labcorp Genetics (formerly Invitae), Labcorp
Classification: Uncertain significance for Progressive myoclonic epilepsy type 9; Lipodystrophy, partial, acquired, susceptibility to. Last evaluated: 2024-04-15. Review status: criteria provided, single submitter. Criteria: Invitae Variant Classification Sherloc (09022015). Collection method: clinical testing. Allele origin: germline.
Comment: This sequence change replaces glutamic acid, which is acidic and polar, with glycine, which is neutral and non-polar, at codon 113 of the LMNB2 protein (p.Glu113Gly). This variant is present in population databases (no rsID available, gnomAD 0.0009%). This variant has not been reported in the literature in individuals affected with LMNB2-related conditions. Advanced modeling of protein sequence and biophysical properties (such as structural, functional, and spatial information, amino acid conservation, physicochemical variation, residue mobility, and thermodynamic stability) performed at Invitae indicates that this missense variant is expected to disrupt LMNB2 protein function with a positive predictive value of 80%. In summary, the available evidence is currently insufficient to determine the role of this variant in disease. Therefore, it has been classified as a Variant of Uncertain Significance.